The following is an entry in ClinVar:

NM_003873.7(NRP1):c.1776G>A (p.Pro592=)

Gene: NRP1 (neuropilin 1; minus strand). Cytogenetic location: 10p11.22.
Variant type: single nucleotide variant.
Coding change: c.1776G>A on transcript NM_003873.7 (MANE Select); coding-DNA position 1776, G replaced by A.
Protein change: p.Pro592=; no amino-acid change (proline 592 retained).
Molecular consequence: synonymous variant. On other transcripts: non-coding transcript variant (1), intron variant (1).
Genome position (GRCh38, 1-based): chr10:33,202,979, C>T on the plus strand (G>A on the coding strand, the complement: NRP1 is on the minus strand). VCF-style: chr10-33202979-C-T. GRCh37 (hg19) VCF-style: chr10-33491907-C-T.
Other names: c.1776G>A, p.Pro592= (NM_001024628.3, NM_001244972.2, NM_001244973.2 and 1 more transcripts); c.1759+4593G>A (NM_001024629.3).
Identifiers: ClinVar variation 3351134 (VCV003351134.1).

ClinVar aggregate classification (germline): Likely benign (0 of 4 stars; one submission).

Conditions:
NRP1-related disorder. Also called: NRP1-related condition.

gnomAD v4.1: 55 of 1,613,392 alleles (0.0034%); highest among the groups gnomAD compares: Middle Eastern, 0.016%; no homozygotes.

Submission:

PreventionGenetics, part of Exact Sciences
Classification: Likely benign for NRP1-related condition. Last evaluated: 2022-04-21. Review status: no assertion criteria provided. Collection method: clinical testing. Allele origin: germline.
Comment: This variant is classified as likely benign based on ACMG/AMP sequence variant interpretation guidelines (Richards et al. 2015 PMID: 25741868, with internal and published modifications).